The following is an entry in ClinVar:

NM_001197104.2(KMT2A):c.10678_10714dup (p.Ile3572delinsSerPheProPheAlaAspGlnPhePheTer)

Gene: KMT2A (lysine methyltransferase 2A; plus strand). Cytogenetic location: 11q23.3.
Variant type: Duplication.
Coding change: c.10678_10714dup on transcript NM_001197104.2 (MANE Select); coding-DNA positions 10678 to 10714, 37 bases duplicated.
Protein change: p.Ile3572delinsSerPheProPheAlaAspGlnPhePheTer.
Molecular consequence: nonsense.
Genome position (GRCh38, 1-based): chr11:118,506,570-118,506,606, 37 bases duplicated; duplicating any 37 consecutive bases within chr11:118,506,569-118,506,606 gives the same sequence; the c. name uses the placement nearest the transcript's 3' end. GRCh37 (hg19): chr11:118,377,285-118,377,321.
Other names: c.10768_10804dup, p.Ile3602delinsSerPheProPheAlaAspGlnPhePheTer (NM_001412597.1); c.10669_10705dup, p.Ile3569delinsSerPheProPheAlaAspGlnPhePheTer (NM_005933.4).
Identifiers: ClinVar variation 3775737 (VCV003775737.1).

ClinVar aggregate classification (germline): Likely pathogenic (1 of 4 stars; one submission).

Conditions:
Wiedemann-Steiner syndrome (WDSTS). Also called: Growth deficiency and mental retardation with facial dysmorphism. Identifiers: Orphanet 319182, MedGen C1854630, MONDO:0011518, OMIM 605130.

Submission:

3billion
Classification: Likely pathogenic for Wiedemann-Steiner syndrome. Last evaluated: 2023-10-12. Review status: criteria provided, single submitter. Criteria: ACMG Guidelines, 2015. Collection method: clinical testing. Allele origin: germline. Affected: yes.
Comment: The variant is not observed in the gnomAD v2.1.1 dataset. Predicted Consequence/Location: Frameshift: predicted to result in a loss or disruption of normal protein function through nonsense-mediated decay (NMD) or protein truncation. Multiple pathogenic variants are reported downstream of the variant. Therefore, this variant is classified as Likely pathogenic according to the recommendation of ACMG/AMP guideline.